The following is an entry in ClinVar:

ClinVar aggregate classification (germline): Uncertain significance (1 of 4 stars; one submission).

Conditions:
Primary dilated cardiomyopathy (DCM). Also called: Dilated Cardiomyopathy. Identifiers: Orphanet 217604, MedGen C0007193, MeSH D002311, MONDO:0005021, HP:0001644. Inheritance: Various modes of inheritance.
Hypertrophic cardiomyopathy. Also called: HYPERTROPHIC MYOCARDIOPATHY. Identifiers: Orphanet 217569, MedGen C0007194, MeSH D002312, MONDO:0005045, HP:0001639.

Submission:

Labcorp Genetics (formerly Invitae), Labcorp
Classification: Uncertain significance for Hypertrophic cardiomyopathy; Primary dilated cardiomyopathy. Last evaluated: 2022-10-24. Review status: criteria provided, single submitter. Criteria: Invitae Variant Classification Sherloc (09022015). Collection method: clinical testing. Allele origin: germline.
Comment: Algorithms developed to predict the effect of sequence changes on RNA splicing suggest that this variant may disrupt the consensus splice site. In summary, the available evidence is currently insufficient to determine the role of this variant in disease. Therefore, it has been classified as a Variant of Uncertain Significance. This variant has not been reported in the literature in individuals affected with PDLIM3-related conditions. This variant, c.403_438del, results in the deletion of 12 amino acid(s) of the PDLIM3 protein (p.Cys135_Gly146del), but otherwise preserves the integrity of the reading frame. This variant is not present in population databases (gnomAD no frequency).

NM_001114107.5(PDLIM3):c.519-1906_519-1871del

Gene: PDLIM3 (PDZ and LIM domain 3; minus strand). Cytogenetic location: 4q35.1.
Variant type: Deletion.
Coding change: c.519-1906_519-1871del on transcript NM_001114107.5; 1906 bases into the intron before coding-DNA position 519 through 1871 bases into the intron before coding-DNA position 519, 36 bases deleted.
Molecular consequence: intron variant.
Genome position (GRCh38, 1-based): chr4:185,508,523-185,508,558, 36 bases deleted; deleting any 36 consecutive bases within chr4:185,508,523-185,508,565 gives the same sequence; the c. name uses the placement nearest the transcript's 3' end. GRCh37 (hg19): chr4:186,429,684-186,429,719.
Other names: c.162-1906_162-1871del (NM_001257963.2); c.399-1906_399-1871del (NM_001257962.2).
Identifiers: ClinVar variation 2034208 (VCV002034208.4), ClinGen allele CA2580071700.
Genomic context (GRCh38, chr4:185,508,522, plus strand): 5'-CAACTTTCAAGTCACCTGGGCAAATGGTACTAACAGTACTGACAGAAGAAGGGGTGCTGC[GTCCACTGCCACAGTCAATCCCGGAGGGAGTGCTGCA>G]TCCACTGTGTTAATGGATACACGTTACACAGAGATGGCACCGGGAGCCAGACAGTCCAGA-3'